The following is an entry in ClinVar:

ClinVar aggregate classification (germline): Likely benign. Review status: criteria provided, multiple submitters, no conflicts (2 of 4 stars). 2 submissions from 2 submitters: Likely benign (2). Last evaluated 2025-08-30.

Conditions:
COL2A1-related disorder. Also called: COL2A1-related condition; COL2A1-related disorders.

gnomAD v4.1: 3 of 1,612,174 alleles (0.00019%); highest among the groups gnomAD compares: Non-Finnish European, 0.00017%; no homozygotes.

Submissions (2):

PreventionGenetics, part of Exact Sciences
Classification: Likely benign for COL2A1-related condition. Last evaluated: 2025-08-30. Review status: criteria provided, single submitter. Criteria: ACMG Guidelines, 2015. Collection method: clinical testing. Allele origin: germline.
Comment: This variant is classified as likely benign based on ACMG/AMP sequence variant interpretation guidelines (Richards et al. 2015 PMID: 25741868, with internal and published modifications).

Labcorp Genetics (formerly Invitae), Labcorp
Classification: Likely benign. Last evaluated: 2025-01-30. Review status: criteria provided, single submitter. Criteria: Invitae Variant Classification Sherloc (09022015). Collection method: clinical testing. Allele origin: germline.

NM_001844.5(COL2A1):c.3504C>G (p.Pro1168=)

Gene: COL2A1 (collagen type II alpha 1 chain; minus strand). Cytogenetic location: 12q13.11.
Variant type: single nucleotide variant.
Coding change: c.3504C>G on transcript NM_001844.5 (MANE Select); coding-DNA position 3504, C replaced by G.
Protein change: p.Pro1168=; no amino-acid change (proline 1168 retained).
Molecular consequence: synonymous variant.
Genome position (GRCh38, 1-based): chr12:47,976,056, G>C on the plus strand (C>G on the coding strand, the complement: COL2A1 is on the minus strand). VCF-style: chr12-47976056-G-C. GRCh37 (hg19) VCF-style: chr12-48369839-G-C.
Other names: c.3297C>G, p.Pro1099= (NM_033150.3); c.3504C>G (NM_001844.4).
Identifiers: ClinVar variation 2987112 (VCV002987112.4), dbSNP rs369451393, ClinGen allele CA479451736.
Genomic context (GRCh38, chr12:47,976,056, plus strand): 5'-ACCAGGAGGCCCAATGGGGCCAGGGATTCCATTAGCACCATCTTTGCCAGAGGGACCGAC[G>C]GGGCCAGGAGGACCCTGCAAGAGAGAGAGGTCGTGAGGAAAGAGTGGTCACCACAGGGAA-3'
Protein context (NP_001835.3, residues 1158-1178): GPSGPRGPPG[Pro1168=]VGPSGKDGAN